The following is an entry in ClinVar:

NM_006129.5(BMP1):c.1091T>G (p.Phe364Cys)

Gene: BMP1 (bone morphogenetic protein 1; plus strand). Cytogenetic location: 8p21.3.
Variant type: single nucleotide variant.
Coding change: c.1091T>G on transcript NM_006129.5 (MANE Select); coding-DNA position 1091, T replaced by G.
Protein change: p.Phe364Cys; replaces phenylalanine 364 with cysteine.
Molecular consequence: missense variant. On other transcripts: non-coding transcript variant (2).
Genome position (GRCh38, 1-based): chr8:22,192,062, T>G. VCF-style: chr8-22192062-T-G. GRCh37 (hg19) VCF-style: chr8-22049575-T-G.
Other names: c.1091T>G, p.Phe364Cys (NM_001199.4); short protein forms F364C.
Identifiers: ClinVar variation 1386127 (VCV001386127.6), dbSNP rs2131878503, ClinGen allele CA370490512.

ClinVar aggregate classification (germline): Uncertain significance (1 of 4 stars; one submission).

Submission:

Labcorp Genetics (formerly Invitae), Labcorp
Classification: Uncertain significance. Last evaluated: 2022-07-05. Review status: criteria provided, single submitter. Criteria: Invitae Variant Classification Sherloc (09022015). Collection method: clinical testing. Allele origin: germline.
Comment: In summary, the available evidence is currently insufficient to determine the role of this variant in disease. Therefore, it has been classified as a Variant of Uncertain Significance. Algorithms developed to predict the effect of missense changes on protein structure and function (SIFT, PolyPhen-2, Align-GVGD) all suggest that this variant is likely to be disruptive. ClinVar contains an entry for this variant (Variation ID: 1386127). This variant has not been reported in the literature in individuals affected with BMP1-related conditions. This variant is not present in population databases (gnomAD no frequency). This sequence change replaces phenylalanine, which is neutral and non-polar, with cysteine, which is neutral and slightly polar, at codon 364 of the BMP1 protein (p.Phe364Cys).